The following is an entry in ClinVar:

NM_004006.3(DMD):c.8632T>G (p.Leu2878Val)

Gene: DMD (dystrophin; minus strand). Cytogenetic location: Xp21.2.
Variant type: single nucleotide variant.
Coding change: c.8632T>G on transcript NM_004006.3 (MANE Select); coding-DNA position 8632, T replaced by G.
Protein change: p.Leu2878Val; replaces leucine 2878 with valine.
Molecular consequence: missense variant.
Genome position (GRCh38, 1-based): chrX:31,479,019, A>C on the plus strand (T>G on the coding strand, the complement: DMD is on the minus strand). VCF-style: chrX-31479019-A-C. GRCh37 (hg19) VCF-style: chrX-31497136-A-C.
Other names: c.8608T>G, p.Leu2870Val (NM_000109.4); c.8620T>G, p.Leu2874Val (NM_004009.3); c.8263T>G, p.Leu2755Val (NM_004010.3); c.4609T>G, p.Leu1537Val (NM_004011.4); c.4600T>G, p.Leu1534Val (NM_004012.4); c.1252T>G, p.Leu418Val (NM_004013.3, NM_004020.4, NM_004021.3 and 2 more transcripts); c.445T>G, p.Leu149Val (NM_004014.3); short protein forms L1537V, L2755V, L2874V, L149V, L2870V, L1534V, L2878V, L418V.
Identifiers: ClinVar variation 2732804 (VCV002732804.3), dbSNP rs1282245736, ClinGen allele CA412654504.
Genomic context (GRCh38, chrX:31,479,019, plus strand): 5'-TATTATAGTTCCACATTCAATTACCTCTGGGCTCCTGGTAGAGTTTCTCTAGTCCTTCCA[A>C]AGGCTGCTCTGTCAGAAATATTCGTACAGTCTCAAGAGTACTCATGATTACAGGTTCTTT-3'
Protein context (NP_003997.2, residues 2868-2888): TVRIFLTEQP[Leu2878Val]EGLEKLYQEP

ClinVar aggregate classification (germline): Uncertain significance (1 of 4 stars; one submission).

Conditions:
Duchenne muscular dystrophy (DMD). Also called: MUSCULAR DYSTROPHY, PSEUDOHYPERTROPHIC PROGRESSIVE, DUCHENNE TYPE; Duchenne Muscular Dystrophy (DMD). Identifiers: Orphanet 98896, MedGen C0013264, MONDO:0010679, OMIM 310200.

Submission:

Labcorp Genetics (formerly Invitae), Labcorp
Classification: Uncertain significance for Duchenne muscular dystrophy. Last evaluated: 2023-08-01. Review status: criteria provided, single submitter. Criteria: Invitae Variant Classification Sherloc (09022015). Collection method: clinical testing. Allele origin: germline.
Comment: This variant has not been reported in the literature in individuals affected with DMD-related conditions. In summary, the available evidence is currently insufficient to determine the role of this variant in disease. Therefore, it has been classified as a Variant of Uncertain Significance. Advanced modeling of protein sequence and biophysical properties (such as structural, functional, and spatial information, amino acid conservation, physicochemical variation, residue mobility, and thermodynamic stability) performed at Invitae indicates that this missense variant is not expected to disrupt DMD protein function. This variant is not present in population databases (gnomAD no frequency). This sequence change replaces leucine, which is neutral and non-polar, with valine, which is neutral and non-polar, at codon 2878 of the DMD protein (p.Leu2878Val).